The following is an entry in ClinVar:

NM_000069.3(CACNA1S):c.1285G>T (p.Val429Leu)

Gene: CACNA1S (calcium voltage-gated channel subunit alpha1 S; minus strand). Cytogenetic location: 1q32.1.
Variant type: single nucleotide variant.
Coding change: c.1285G>T on transcript NM_000069.3 (MANE Select); coding-DNA position 1285, G replaced by T.
Protein change: p.Val429Leu; replaces valine 429 with leucine.
Molecular consequence: missense variant.
Genome position (GRCh38, 1-based): chr1:201,083,270, C>A on the plus strand (G>T on the coding strand, the complement: CACNA1S is on the minus strand). VCF-style: chr1-201083270-C-A. GRCh37 (hg19) VCF-style: chr1-201052398-C-A.
Other names: short protein forms V429L.
Identifiers: ClinVar variation 3752928 (VCV003752928.3).

ClinVar aggregate classification (germline): Uncertain significance. Review status: criteria provided, multiple submitters, no conflicts (2 of 4 stars). 2 submissions from 2 submitters: Uncertain significance (2). Last evaluated 2024-04-09.

Conditions:
Hypokalemic periodic paralysis, type 1. Also called: Hypokalemic Periodic Paralysis Type 1 (AD); HypoPP. Identifiers: Orphanet 681, MedGen C3714580, MONDO:0042979, OMIM 170400.
Malignant hyperthermia, susceptibility to, 5 (MHS5). Also called: CACNA1S-Related Malignant Hyperthermia Susceptibility. Identifiers: Orphanet 423, MedGen C1866077, MONDO:0011163, OMIM 601887.

Submissions (2):

Labcorp Genetics (formerly Invitae), Labcorp
Classification: Uncertain significance for Hypokalemic periodic paralysis, type 1; Malignant hyperthermia, susceptibility to, 5. Last evaluated: 2024-04-09. Review status: criteria provided, single submitter. Criteria: Invitae Variant Classification Sherloc (09022015). Collection method: clinical testing. Allele origin: germline.
Comment: This sequence change replaces valine, which is neutral and non-polar, with leucine, which is neutral and non-polar, at codon 429 of the CACNA1S protein (p.Val429Leu). This variant is not present in population databases (gnomAD no frequency). This variant has not been reported in the literature in individuals affected with CACNA1S-related conditions. Advanced modeling of protein sequence and biophysical properties (such as structural, functional, and spatial information, amino acid conservation, physicochemical variation, residue mobility, and thermodynamic stability) performed at Invitae indicates that this missense variant is expected to disrupt CACNA1S protein function with a positive predictive value of 80%. In summary, the available evidence is currently insufficient to determine the role of this variant in disease. Therefore, it has been classified as a Variant of Uncertain Significance.

Blueprint Genetics
Classification: Uncertain significance. Last evaluated: 2023-08-04. Review status: criteria provided, single submitter. Criteria: ACMG Guidelines, 2015. Collection method: clinical testing. Allele origin: germline.